The following is an entry in ClinVar:

ClinVar aggregate classification (germline): Uncertain significance (1 of 4 stars; one submission).

Conditions:
Cardiovascular phenotype. Identifiers: MedGen CN230736.

Allele frequency attached by ClinVar (database versions not stated): gnomAD exomes 0.00001; ExAC 0.00004; gnomAD 0.00009; TOPMed 0.00010; ESP Exome Variant Server 0.00015.

Submission:

Ambry Genetics
Classification: Uncertain significance for Cardiovascular phenotype. Last evaluated: 2024-10-08. Review status: criteria provided, single submitter. Criteria: Ambry Variant Classification Scheme 2023. Collection method: clinical testing. Allele origin: germline.
Comment: The p.G159D variant (also known as c.476G>A), located in coding exon 4 of the GPIHBP1 gene, results from a G to A substitution at nucleotide position 476. The glycine at codon 159 is replaced by aspartic acid, an amino acid with similar properties. This amino acid position is conserved. In addition, this alteration is predicted to be tolerated by in silico analysis. Since supporting evidence is limited at this time, the clinical significance of this alteration remains unclear.

NM_178172.6(GPIHBP1):c.476G>A (p.Gly159Asp)

Gene: GPIHBP1 (glycosylphosphatidylinositol anchored high density lipoprotein binding protein 1; plus strand). Cytogenetic location: 8q24.3.
Variant type: single nucleotide variant.
Coding change: c.476G>A on transcript NM_178172.6 (MANE Select); coding-DNA position 476, G replaced by A.
Protein change: p.Gly159Asp; replaces glycine 159 with aspartic acid.
Molecular consequence: missense variant. On other transcripts: intron variant (1).
Genome position (GRCh38, 1-based): chr8:143,215,439, G>A. VCF-style: chr8-143215439-G-A. GRCh37 (hg19) VCF-style: chr8-144297314-G-A.
Other names: c.375+101G>A (NM_001301772.2); short protein forms G159D.
Identifiers: ClinVar variation 1742956 (VCV001742956.3), dbSNP rs373232320, ClinGen allele CA4907138.